The following is an entry in ClinVar:

ClinVar aggregate classification (germline): Uncertain significance (1 of 4 stars; one submission).

Submission:

Labcorp Genetics (formerly Invitae), Labcorp
Classification: Uncertain significance. Last evaluated: 2025-08-30. Review status: criteria provided, single submitter. Criteria: Invitae Variant Classification Sherloc (09022015). Collection method: clinical testing. Allele origin: germline.
Comment: This sequence change falls in intron 51 of the COL7A1 gene. It does not directly change the encoded amino acid sequence of the COL7A1 protein. This variant is not present in population databases (gnomAD no frequency). This variant has not been reported in the literature in individuals affected with COL7A1-related conditions. Algorithms developed to predict the effect of sequence changes on RNA splicing suggest that this variant may create or strengthen a splice site. In summary, the available evidence is currently insufficient to determine the role of this variant in disease. Therefore, it has been classified as a Variant of Uncertain Significance.

NM_000094.4(COL7A1):c.4899+7G>C

Gene: COL7A1 (collagen type VII alpha 1 chain; minus strand). Cytogenetic location: 3p21.31.
Variant type: single nucleotide variant.
Coding change: c.4899+7G>C on transcript NM_000094.4 (MANE Select); 7 bases into the intron after coding-DNA position 4899, G replaced by C.
Molecular consequence: intron variant.
Genome position (GRCh38, 1-based): chr3:48,581,253, C>G on the plus strand (G>C on the coding strand, the complement: COL7A1 is on the minus strand). VCF-style: chr3-48581253-C-G. GRCh37 (hg19) VCF-style: chr3-48618686-C-G.
Identifiers: ClinVar variation 4716095 (VCV004716095.1).